The following is an entry in ClinVar:

ClinVar aggregate classification (germline): Uncertain significance. Review status: criteria provided, multiple submitters, no conflicts (2 of 4 stars). 4 submissions from 4 submitters: Uncertain significance (4). Last evaluated 2025-08-11.

Conditions:
Cardiovascular phenotype. Identifiers: MedGen CN230736.
Catecholaminergic polymorphic ventricular tachycardia 2. Also called: CASQ2-Related Catecholaminergic Polymorphic Ventricular Tachycardia; VENTRICULAR TACHYCARDIA, STRESS-INDUCED POLYMORPHIC 2. Identifiers: Orphanet 3286, MedGen C2677794, MONDO:0012762, OMIM 611938.
Catecholaminergic polymorphic ventricular tachycardia 1. Also called: RYR2-Related Catecholaminergic Polymorphic Ventricular Tachycardia; VENTRICULAR TACHYCARDIA, CATECHOLAMINERGIC POLYMORPHIC, 1, WITH OR WITHOUT ATRIAL DYSFUNCTION AND/OR DILATED CARDIOMYOPATHY; VENTRICULAR TACHYCARDIA, STRESS-INDUCED POLYMORPHIC 1. Identifiers: Orphanet 3286, MedGen C1631597, MONDO:0011484, OMIM 604772.

Allele frequency attached by ClinVar (database versions not stated): gnomAD exomes below 0.00001 and 0.00001; ExAC 0.00001; gnomAD 0.00001; TOPMed 0.00002.
gnomAD v4.1: 8 of 1,608,996 alleles (0.0005%); highest among the groups gnomAD compares: Admixed American, 0.0067%; no homozygotes.

Submissions (4):

Labcorp Genetics (formerly Invitae), Labcorp
Classification: Uncertain significance for Catecholaminergic polymorphic ventricular tachycardia 1. Last evaluated: 2025-08-11. Review status: criteria provided, single submitter. Criteria: Invitae Variant Classification Sherloc (09022015). Collection method: clinical testing. Allele origin: germline.
Comment: This sequence change replaces leucine, which is neutral and non-polar, with phenylalanine, which is neutral and non-polar, at codon 77 of the CASQ2 protein (p.Leu77Phe). This variant is present in population databases (rs781778467, gnomAD 0.006%). This variant has not been reported in the literature in individuals affected with CASQ2-related conditions. ClinVar contains an entry for this variant (Variation ID: 519541). Invitae Evidence Modeling of protein sequence and biophysical properties (such as structural, functional, and spatial information, amino acid conservation, physicochemical variation, residue mobility, and thermodynamic stability) indicates that this missense variant is not expected to disrupt CASQ2 protein function with a negative predictive value of 80%. In summary, the available evidence is currently insufficient to determine the role of this variant in disease. Therefore, it has been classified as a Variant of Uncertain Significance.

GeneDx
Classification: Uncertain significance. Last evaluated: 2024-07-01. Review status: criteria provided, single submitter. Criteria: GeneDx Variant Classification Process June 2021. Collection method: clinical testing. Allele origin: germline. Affected: yes.
Comment: Not observed at significant frequency in large population cohorts (gnomAD); In silico analysis supports that this missense variant has a deleterious effect on protein structure/function; Has not been previously published as pathogenic or benign to our knowledge

Genome-Nilou Lab
Classification: Uncertain significance for Catecholaminergic polymorphic ventricular tachycardia 2. Last evaluated: 2023-04-11. Review status: criteria provided, single submitter. Criteria: ACMG Guidelines, 2015. Collection method: clinical testing. Allele origin: germline. Affected: no.

Ambry Genetics
Classification: Uncertain significance for Cardiovascular phenotype. Last evaluated: 2023-01-13. Review status: criteria provided, single submitter. Criteria: Ambry Variant Classification Scheme 2023. Collection method: clinical testing. Allele origin: germline.
Comment: The p.L77F variant (also known as c.229C>T), located in coding exon 1 of the CASQ2 gene, results from a C to T substitution at nucleotide position 229. The leucine at codon 77 is replaced by phenylalanine, an amino acid with highly similar properties. Another alteration affecting the same amino acid, p.L77P (c.230T>C), has been reported in a homozygous state in two siblings with polymorphic ventricular tachycardia (Al-Hassnan ZN et al. Pacing Clin Electrophysiol, 2013 May;36:e140-2). This amino acid position is highly conserved in available vertebrate species; however, phenylalanine is the reference amino acid in other vertebrate species. In addition, the in silico prediction for this alteration is inconclusive. Since supporting evidence is limited at this time, the clinical significance of this alteration remains unclear.

Literature cited by the submitters: PubMed 22650415 (cited by Ambry Genetics).

NM_001232.4(CASQ2):c.229C>T (p.Leu77Phe)

Gene: CASQ2 (calsequestrin 2; minus strand). Cytogenetic location: 1p13.1.
Variant type: single nucleotide variant.
Coding change: c.229C>T on transcript NM_001232.4 (MANE Select); coding-DNA position 229, C replaced by T.
Protein change: p.Leu77Phe; replaces leucine 77 with phenylalanine.
Molecular consequence: missense variant.
Genome position (GRCh38, 1-based): chr1:115,768,313, G>A on the plus strand (C>T on the coding strand, the complement: CASQ2 is on the minus strand). VCF-style: chr1-115768313-G-A. GRCh37 (hg19) VCF-style: chr1-116310934-G-A.
Other names: short protein forms L77F.
Identifiers: ClinVar variation 519541 (VCV000519541.10), dbSNP rs781778467, ClinGen allele CA1023983.
Genomic context (GRCh38, chr1:115,768,313, plus strand): 5'-ATTCCCTCGGCACCTCACTGAGGCAGCGCAGACAGCATGCCCTTTGGTTACTTACCTCAA[G>A]CACGATTTCTTTCAGTTGGAACTGTTTTTGCGTGACCTTATCTGAAGACACCGGCTCATG-3'
Protein context (NP_001223.2, residues 67-87): QKQFQLKEIV[Leu77Phe]ELVAQVLEHK